The following is an entry in ClinVar:

NM_018136.5(ASPM):c.10034T>A (p.Ile3345Lys)

Gene: ASPM (assembly factor for spindle microtubules; minus strand). Cytogenetic location: 1q31.3.
Variant type: single nucleotide variant.
Coding change: c.10034T>A on transcript NM_018136.5 (MANE Select); coding-DNA position 10034, T replaced by A.
Protein change: p.Ile3345Lys; replaces isoleucine 3345 with lysine.
Molecular consequence: missense variant.
Genome position (GRCh38, 1-based): chr1:197,088,383, A>T on the plus strand (T>A on the coding strand, the complement: ASPM is on the minus strand). VCF-style: chr1-197088383-A-T. GRCh37 (hg19) VCF-style: chr1-197057513-A-T.
Other names: c.5279T>A, p.Ile1760Lys (NM_001206846.2); c.10034T>A (NM_018136.4); short protein forms I3345K, I1760K.
Identifiers: ClinVar variation 2967321 (VCV002967321.5), dbSNP rs1193488480, ClinGen allele CA343998535.

ClinVar aggregate classification (germline): Uncertain significance. Review status: criteria provided, multiple submitters, no conflicts (2 of 4 stars). 3 submissions from 3 submitters: Uncertain significance (3). Last evaluated 2025-06-06.

Conditions:
Inborn genetic diseases. Identifiers: MedGen C0950123, MeSH D030342.

Allele frequency attached by ClinVar (database versions not stated): TOPMed below 0.00001.
gnomAD v4.1: 1 of 1,610,750 alleles (0.000062%); highest among the groups gnomAD compares: Non-Finnish European, 0.000085%; no homozygotes.

Submissions (3):

Ambry Genetics
Classification: Uncertain significance for Inborn genetic diseases. Last evaluated: 2025-06-06. Review status: criteria provided, single submitter. Criteria: Ambry Variant Classification Scheme 2023. Collection method: clinical testing. Allele origin: germline.

Labcorp Genetics (formerly Invitae), Labcorp
Classification: Uncertain significance. Last evaluated: 2025-02-03. Review status: criteria provided, single submitter. Criteria: Invitae Variant Classification Sherloc (09022015). Collection method: clinical testing. Allele origin: germline.
Comment: This sequence change replaces isoleucine, which is neutral and non-polar, with lysine, which is basic and polar, at codon 3345 of the ASPM protein (p.Ile3345Lys). This variant is not present in population databases (gnomAD no frequency). This variant has not been reported in the literature in individuals affected with ASPM-related conditions. ClinVar contains an entry for this variant (Variation ID: 2967321). An algorithm developed to predict the effect of missense changes on protein structure and function (PolyPhen-2) suggests that this variant is likely to be tolerated. In summary, the available evidence is currently insufficient to determine the role of this variant in disease. Therefore, it has been classified as a Variant of Uncertain Significance.

Breakthrough Genomics
Classification: Uncertain significance. Review status: criteria provided, single submitter. Criteria: ACMG Guidelines, 2015. Collection method: not provided. Allele origin: germline. Inheritance: Autosomal recessive inheritance. Affected: yes.